The following is an entry in ClinVar:

NM_000321.3(RB1):c.607G>T (p.Gly203Trp)

Gene: RB1 (RB transcriptional corepressor 1; plus strand). Cytogenetic location: 13q14.2.
Variant type: single nucleotide variant.
Coding change: c.607G>T on transcript NM_000321.3 (MANE Select); coding-DNA position 607, G replaced by T.
Protein change: p.Gly203Trp; replaces glycine 203 with tryptophan.
Molecular consequence: missense variant.
Genome position (GRCh38, 1-based): chr13:48,349,023, G>T. VCF-style: chr13-48349023-G-T. GRCh37 (hg19) VCF-style: chr13-48923159-G-T.
Other names: short protein forms G203W.
Identifiers: ClinVar variation 458175 (VCV000458175.12), dbSNP rs1012377281, ClinGen allele CA249269407.

ClinVar aggregate classification (germline): Uncertain significance. Review status: criteria provided, multiple submitters, no conflicts (2 of 4 stars). 4 submissions from 4 submitters: Uncertain significance (4). Last evaluated 2024-06-05.

Conditions:
Hereditary cancer-predisposing syndrome. Also called: Neoplastic Syndromes, Hereditary; Tumor predisposition; Hereditary Cancer Syndrome; Hereditary neoplastic syndrome. Identifiers: Orphanet 140162, MedGen C0027672, MeSH D009386, MONDO:0015356.
Malignant tumor of urinary bladder. Also called: Urinary Bladder Neoplasms; Bladder cancer; Urinary bladder cancer. Identifiers: MedGen C0005684, MONDO:0001187, OMIM 109800.
Retinoblastoma (RB1). Also called: RETINOBLASTOMA, SOMATIC. Identifiers: Orphanet 790, MedGen C0035335, MeSH D012175, MONDO:0008380, OMIM 180200, HP:0009919. Disease mechanism: loss of function. Inheritance: Both sporadic and heritable forms are tested..

Submissions (4):

Labcorp Genetics (formerly Invitae), Labcorp
Classification: Uncertain significance for Retinoblastoma. Last evaluated: 2024-06-05. Review status: criteria provided, single submitter. Criteria: Invitae Variant Classification Sherloc (09022015). Collection method: clinical testing. Allele origin: germline.
Comment: This sequence change replaces glycine, which is neutral and non-polar, with tryptophan, which is neutral and slightly polar, at codon 203 of the RB1 protein (p.Gly203Trp). This variant also falls at the last nucleotide of exon 6, which is part of the consensus splice site for this exon. This variant is not present in population databases (gnomAD no frequency). This variant has not been reported in the literature in individuals affected with RB1-related conditions. ClinVar contains an entry for this variant (Variation ID: 458175). An algorithm developed to predict the effect of missense changes on protein structure and function (PolyPhen-2) suggests that this variant is likely to be disruptive. Variants that disrupt the consensus splice site are a relatively common cause of aberrant splicing (PMID: 17576681, 9536098). RNA analysis performed to evaluate the impact of this missense change on mRNA splicing indicates it does not significantly alter splicing (Invitae). In summary, the available evidence is currently insufficient to determine the role of this variant in disease. Therefore, it has been classified as a Variant of Uncertain Significance.

Baylor Genetics
Classification: Uncertain significance for Malignant tumor of urinary bladder. Last evaluated: 2024-02-11. Review status: criteria provided, single submitter. Criteria: ACMG Guidelines, 2015. Collection method: clinical testing. Allele origin: unknown.

All of Us Research Program, National Institutes of Health
Classification: Uncertain significance for Retinoblastoma. Last evaluated: 2023-08-15. Review status: criteria provided, single submitter. Criteria: ACMG Guidelines, 2015. Collection method: clinical testing. Allele origin: germline. Inheritance: Autosomal dominant inheritance. Observed: 2 variant alleles, 2 heterozygotes.
Comment: This missense variant replaces glycine with tryptophan at codon 203 of the RB1 protein. Computational prediction is inconclusive regarding the impact of this variant on protein structure and function (internally defined REVEL score threshold 0.5 < inconclusive < 0.7, PMID: 27666373). To our knowledge, functional studies have not been reported for this variant. This variant has not been reported in individuals affected with RB1-related disorders in the literature. This variant has not been identified in the general population by the Genome Aggregation Database (gnomAD). The available evidence is insufficient to determine the role of this variant in disease conclusively. Therefore, this variant is classified as a Variant of Uncertain Significance.

This study involves interpretation of variants in research participants for the purpose of population health screening. Participant phenotype was not available at the time of variant classification. Additional details can be found in publication PMID: 35346344, PMCID: PMC8962531

Ambry Genetics
Classification: Uncertain significance for Hereditary cancer-predisposing syndrome. Last evaluated: 2021-05-04. Review status: criteria provided, single submitter. Criteria: Ambry Variant Classification Scheme 2023. Collection method: clinical testing. Allele origin: germline.
Comment: The p.G203W variant (also known as c.607G>T), located in coding exon 6 of the RB1 gene, results from a G to T substitution at nucleotide position 607. The amino acid change results in glycine to tryptophan at codon 203, an amino acid with highly dissimilar properties. However, this change occurs in the last base pair of coding exon 6, which makes it likely to have some effect on normal mRNA splicing. This amino acid position is highly conserved in available vertebrate species. In addition, the in silico prediction for this alteration is inconclusive. Since supporting evidence is limited at this time, the clinical significance of this alteration remains unclear.

Literature cited by the submitters: PubMed 17576681 (cited by Labcorp Genetics (formerly Invitae), Labcorp); PubMed 9536098 (cited by Labcorp Genetics (formerly Invitae), Labcorp).